The following is an entry in ClinVar:

NM_015158.5(KANK1):c.1460A>G (p.Lys487Arg)

Gene: KANK1 (KN motif and ankyrin repeat domains 1; plus strand). Cytogenetic location: 9p24.3.
Variant type: single nucleotide variant.
Coding change: c.1460A>G on transcript NM_015158.5 (MANE Select); coding-DNA position 1460, A replaced by G.
Protein change: p.Lys487Arg; replaces lysine 487 with arginine.
Molecular consequence: missense variant. On other transcripts: non-coding transcript variant (1).
Genome position (GRCh38, 1-based): chr9:712,226, A>G. VCF-style: chr9-712226-A-G. GRCh37 (hg19) VCF-style: chr9-712226-A-G.
Other names: c.1460A>G, p.Lys487Arg (NM_001256876.3, NM_001256877.3, NM_001354331.2 and 2 more transcripts); c.986A>G, p.Lys329Arg (NM_001354333.2, NM_001354335.2, NM_001354336.2 and 9 more transcripts); short protein forms K329R, K487R.
Identifiers: ClinVar variation 3712054 (VCV003712054.2).

ClinVar aggregate classification (germline): Uncertain significance (1 of 4 stars; one submission).

gnomAD v4.1: 23 of 1,614,190 alleles (0.0014%); highest among the groups gnomAD compares: African/African-American, 0.027%; no homozygotes.

Submission:

Labcorp Genetics (formerly Invitae), Labcorp
Classification: Uncertain significance. Last evaluated: 2025-12-02. Review status: criteria provided, single submitter. Criteria: Invitae Variant Classification Sherloc (09022015). Collection method: clinical testing. Allele origin: germline.
Comment: This sequence change replaces lysine, which is basic and polar, with arginine, which is basic and polar, at codon 487 of the KANK1 protein (p.Lys487Arg). This variant is present in population databases (rs114800970, gnomAD 0.04%). This variant has not been reported in the literature in individuals affected with KANK1-related conditions. ClinVar contains an entry for this variant (Variation ID: 3712054). Invitae Evidence Modeling of protein sequence and biophysical properties (such as structural, functional, and spatial information, amino acid conservation, physicochemical variation, residue mobility, and thermodynamic stability) indicates that this missense variant is not expected to disrupt KANK1 protein function with a negative predictive value of 80%. In summary, the available evidence is currently insufficient to determine the role of this variant in disease. Therefore, it has been classified as a Variant of Uncertain Significance.